The following is an entry in ClinVar:

NM_001034853.2(RPGR):c.2994del (p.Glu1000fs)

Gene: RPGR (retinitis pigmentosa GTPase regulator; minus strand). Cytogenetic location: Xp11.4.
Variant type: Deletion.
Coding change: c.2994del on transcript NM_001034853.2 (MANE Select); coding-DNA position 2994, one base deleted (A; older notation c.2994delA).
Protein change: p.Glu1000fs; shifts the reading frame from glutamic acid 1000.
Molecular consequence: frameshift variant. On other transcripts: intron variant (8).
Genome position (GRCh38, 1-based): chrX:38,286,005, T deleted on the plus strand (A on the coding strand, the reverse complement: RPGR is on the minus strand); the first of 2 consecutive T bases (chrX:38,286,005-38,286,006); deleting either gives the same sequence. VCF-style (leftmost placement, unchanged base first): chrX-38286004-CT-C. GRCh37 (hg19) VCF-style: chrX-38145257-CT-C.
Other names: c.1569+4954del (NM_001367249.1, NM_001367250.1); c.1902+1089del (NM_001367245.1); c.1386+4954del (NM_001367251.1); c.1719+1089del (NM_001367246.1); c.1572+4954del (NM_001367247.1); c.1905+1089del (NM_000328.3); c.1602+4954del (NM_001367248.1); short protein forms E1000fs.
Identifiers: ClinVar variation 2056419 (VCV002056419.4), dbSNP rs2519783670, ClinGen allele CA2580100823.
Genomic context (GRCh38, chrX:38,286,004, plus strand): 5'-CTTCCTCTTCTTCCTCCCCTTCTCCCTCCCCTTCTTCCTCTCCCTCTCCTTCTTCCTCCC[CT>C]TCTTCTTCCCCTTCCTCCTCTTCCCCCTCCCCTTCTCCTTCCTCCTCTTCCCCCTCCCCT-3'

ClinVar aggregate classification (germline): Pathogenic (1 of 4 stars; one submission).

Conditions:
Primary ciliary dyskinesia. Also called: Ciliary dyskinesia. Identifiers: Orphanet 244, MedGen C0008780, MONDO:0016575, HP:0012265.

Submission:

Labcorp Genetics (formerly Invitae), Labcorp
Classification: Pathogenic for Primary ciliary dyskinesia. Last evaluated: 2022-01-02. Review status: criteria provided, single submitter. Criteria: Invitae Variant Classification Sherloc (09022015). Collection method: clinical testing. Allele origin: germline.
Comment: For these reasons, this variant has been classified as Pathogenic. This variant disrupts a region of the RPGR (ORF15) protein in which other variant(s) (p.Leu1130Lysfs*13) have been determined to be pathogenic (PMID: 22264887; Invitae). This suggests that this is a clinically significant region of the protein, and that variants that disrupt it are likely to be disease-causing. This variant has not been reported in the literature in individuals affected with RPGR (ORF15)-related conditions. This variant is not present in population databases (gnomAD no frequency). This sequence change creates a premature translational stop signal (p.Glu1000Argfs*89) in the RPGR (ORF15) gene. While this is not anticipated to result in nonsense mediated decay, it is expected to disrupt the last 153 amino acid(s) of the RPGR (ORF15) protein.

Literature cited by the submitters: PubMed 22264887.